The following is an entry in ClinVar:

NM_173728.4(ARHGEF15):c.359C>A (p.Pro120Gln)

Gene: ARHGEF15 (Rho guanine nucleotide exchange factor 15; plus strand). Cytogenetic location: 17p13.1.
Variant type: single nucleotide variant.
Coding change: c.359C>A on transcript NM_173728.4 (MANE Select); coding-DNA position 359, C replaced by A.
Protein change: p.Pro120Gln; replaces proline 120 with glutamine.
Molecular consequence: missense variant.
Genome position (GRCh38, 1-based): chr17:8,312,398, C>A. VCF-style: chr17-8312398-C-A. GRCh37 (hg19) VCF-style: chr17-8215716-C-A.
Other names: c.359C>A, p.Pro120Gln (NM_025014.2); short protein forms P120Q.
Identifiers: ClinVar variation 2059112 (VCV002059112.4), dbSNP rs751244420, ClinGen allele CA8374839.

ClinVar aggregate classification (germline): Uncertain significance (1 of 4 stars; one submission).

Conditions:
Early-infantile DEE. Also called: Early infantile epileptic encephalopathy with suppression bursts; Early infantile epileptic encephalopathy; Ohtahara syndrome. Identifiers: Orphanet 1934, MedGen C0393706, MONDO:0800491.

gnomAD v4.1: 17 of 1,612,422 alleles (0.0011%); highest among the groups gnomAD compares: Admixed American, 0.0017%; no homozygotes.

Submission:

Labcorp Genetics (formerly Invitae), Labcorp
Classification: Uncertain significance for Early-infantile DEE. Last evaluated: 2024-02-14. Review status: criteria provided, single submitter. Criteria: Invitae Variant Classification Sherloc (09022015). Collection method: clinical testing. Allele origin: germline.
Comment: This sequence change replaces proline, which is neutral and non-polar, with glutamine, which is neutral and polar, at codon 120 of the ARHGEF15 protein (p.Pro120Gln). This variant is present in population databases (rs751244420, gnomAD 0.005%). This variant has not been reported in the literature in individuals affected with ARHGEF15-related conditions. ClinVar contains an entry for this variant (Variation ID: 2059112). Algorithms developed to predict the effect of missense changes on protein structure and function output the following: SIFT: "Not Available"; PolyPhen-2: "Probably Damaging"; Align-GVGD: "Not Available". The glutamine amino acid residue is found in multiple mammalian species, which suggests that this missense change does not adversely affect protein function. In summary, the available evidence is currently insufficient to determine the role of this variant in disease. Therefore, it has been classified as a Variant of Uncertain Significance.